The following is an entry in ClinVar:

ClinVar aggregate classification (germline): Pathogenic (1 of 4 stars; one submission).

Conditions:
Hereditary cancer-predisposing syndrome. Also called: Tumor predisposition; Hereditary neoplastic syndrome; Neoplastic Syndromes, Hereditary; Hereditary Cancer Syndrome. Identifiers: Orphanet 140162, MedGen C0027672, MeSH D009386, MONDO:0015356.

Submission:

Labcorp Genetics (formerly Invitae), Labcorp
Classification: Pathogenic for Hereditary cancer-predisposing syndrome. Last evaluated: 2021-10-10. Review status: criteria provided, single submitter. Criteria: Invitae Variant Classification Sherloc (09022015). Collection method: clinical testing. Allele origin: germline.
Comment: This variant has not been reported in the literature in individuals affected with RAD50-related conditions. This variant is not present in population databases (ExAC no frequency). This sequence change creates a premature translational stop signal (p.Cys48Leufs*41) in the RAD50 gene. It is expected to result in an absent or disrupted protein product. Loss-of-function variants in RAD50 are known to be pathogenic (PMID: 19409520). For these reasons, this variant has been classified as Pathogenic.

Literature cited by the submitters: PubMed 19409520.

NM_005732.4(RAD50):c.142dup (p.Cys48fs)

Gene: RAD50 (RAD50 double strand break repair protein; plus strand). Cytogenetic location: 5q31.1.
Variant type: Duplication.
Coding change: c.142dup on transcript NM_005732.4 (MANE Select); coding-DNA position 142, one base duplicated (T; older notation c.142dupT).
Protein change: p.Cys48fs; shifts the reading frame from cysteine 48.
Molecular consequence: frameshift variant.
Genome position (GRCh38, 1-based): chr5:132,559,296, T duplicated. VCF-style (leftmost placement, unchanged base first): chr5-132559295-A-AT. GRCh37 (hg19) VCF-style: chr5-131894987-A-AT.
Other names: short protein forms C48fs.
Identifiers: ClinVar variation 1428729 (VCV001428729.6), dbSNP rs2149831267, ClinGen allele CA2573139065.